The following is an entry in ClinVar:

NC_000017.10:g.(41209153_41215349)_(41234593_41242960)del

Gene: BRCA1 (BRCA1 DNA repair associated; minus strand). Cytogenetic location: 17q21.31.
Variant type: Deletion.
Identifiers: ClinVar variation 3233900 (VCV003233900.2).

ClinVar aggregate classification (germline): Pathogenic (1 of 4 stars; one submission).

Conditions:
Hereditary breast ovarian cancer syndrome. Also called: Hereditary breast and ovarian cancer syndrome; Hereditary breast and ovarian cancer; Hereditary breast and ovarian cancer syndrome (HBOC); Breast and ovarian cancer; Hereditary breast and/or ovarian cancer syndrome; BRCA1- and BRCA2-Associated Hereditary Breast and Ovarian Cancer. Identifiers: Orphanet 145, MedGen C0677776, MeSH D061325, MONDO:0003582. Disease mechanism: loss of function.

Submission:

Women's Health and Genetics/Laboratory Corporation of America, LabCorp
Classification: Pathogenic for Hereditary breast ovarian cancer syndrome. Last evaluated: 2024-03-18. Review status: criteria provided, single submitter. Criteria: LabCorp Variant Classification Summary - May 2015. Collection method: clinical testing. Allele origin: germline.
Comment: Variant summary: The variant involves the deletion of exons 12-18 in the BRCA1 gene. A presumed nomenclature of c.(4185+1_4186-1)_(5193+1_5194-1)del has been designated for the purposes of this classification. This Copy Number Variant (CNV) is predicted to result in an in-frame deletion of 336 amino acids within this gene. The variant was absent in 21670 control chromosomes (gnomAD Structural Variants dataset). c.(4185+1_4186-1)_(5193+1_5194-1)del has been reported in the literature in multiple individuals affected with Hereditary Breast And Ovarian Cancer Syndrome (e.g., Ticha_2010, Rudnicka_2013, Rebbeck_2018). These data indicate that the variant is very likely to be associated with disease. The following publications have been ascertained in the context of this evaluation (PMID: 20135348, 24065545, 24947589, 29446198). ClinVar contains entries for this variant (Variation ID: 1073077, 216103). Based on the evidence outlined above, the variant was classified as pathogenic.

Literature cited by the submitters: PubMed 20135348; PubMed 24065545; PubMed 24947589; PubMed 29446198.